The following is an entry in ClinVar:

NM_005032.7(PLS3):c.501-6T>C

Gene: PLS3 (plastin 3; plus strand). Cytogenetic location: Xq23.
Variant type: single nucleotide variant.
Coding change: c.501-6T>C on transcript NM_005032.7 (MANE Select); 6 bases into the intron before coding-DNA position 501, T replaced by C.
Molecular consequence: intron variant.
Genome position (GRCh38, 1-based): chrX:115,633,994, T>C. VCF-style: chrX-115633994-T-C. GRCh37 (hg19) VCF-style: chrX-114868306-T-C.
Other names: c.435-6T>C (NM_001282337.2); c.366-6T>C (NM_001282338.2); c.501-6T>C (NM_001136025.5); c.420-6T>C (NM_001172335.3).
Identifiers: ClinVar variation 2047157 (VCV002047157.4), dbSNP rs782311427, ClinGen allele CA10496905.
Genomic context (GRCh38, chrX:115,633,994, plus strand): 5'-GCCACTTTATAAAAGGAAATCAGCTCTTTTTTTTTACATCAGCCTTTTTTTAAATTTTTG[T>C]TTCAGTAAAATGATTAACCTTTCAGTTCCTGATACCATTGATGAAAGAGCAATCAACAAG-3'

ClinVar aggregate classification (germline): Uncertain significance (1 of 4 stars; one submission).

Allele frequency attached by ClinVar (database versions not stated): gnomAD exomes below 0.00001; ExAC 0.00001; 1000 Genomes Project 30x 0.00021.
gnomAD v4.1: 1 of 1,050,992 alleles (0.000095%); highest among the groups gnomAD compares: African/African-American, 0.0019%; no homozygotes.

Submission:

Labcorp Genetics (formerly Invitae), Labcorp
Classification: Uncertain significance. Last evaluated: 2021-12-18. Review status: criteria provided, single submitter. Criteria: Invitae Variant Classification Sherloc (09022015). Collection method: clinical testing. Allele origin: germline.
Comment: This sequence change falls in intron 5 of the PLS3 gene. It does not directly change the encoded amino acid sequence of the PLS3 protein. The frequency data for this variant in the population databases is considered unreliable, as metrics indicate poor data quality at this position in the gnomAD database. This variant has not been reported in the literature in individuals affected with PLS3-related conditions. Algorithms developed to predict the effect of sequence changes on RNA splicing suggest that this variant may disrupt the consensus splice site. In summary, the available evidence is currently insufficient to determine the role of this variant in disease. Therefore, it has been classified as a Variant of Uncertain Significance.